The following is an entry in ClinVar:

ClinVar aggregate classification (germline): Benign/Likely benign. Review status: criteria provided, multiple submitters, no conflicts (2 of 4 stars). 25 submissions from 18 submitters: Benign (20); Likely benign (2). 3 of the submissions do not count toward it. Last evaluated 2026-02-04.

Conditions:
Dilated cardiomyopathy 1G (CMD1G). Identifiers: Orphanet 154, MedGen C1858763, MONDO:0011400, OMIM 604145.
Autosomal recessive limb-girdle muscular dystrophy type 2J (LGMDR10). Also called: MUSCULAR DYSTROPHY, LIMB-GIRDLE, AUTOSOMAL RECESSIVE 10; Limb-girdle muscular dystrophy, type 2J. Identifiers: Orphanet 140922, MedGen C1837342, MONDO:0012127, OMIM 608807.
Cardiovascular phenotype. Identifiers: MedGen CN230736.
Early-onset myopathy with fatal cardiomyopathy (CMYO5). Also called: CONGENITAL MYOPATHY 5 WITH CARDIOMYOPATHY; Salih Myopathy. Identifiers: Orphanet 289377, MedGen C2673677, MONDO:0012714, OMIM 611705. Disease mechanism: loss of function.
Myopathy, myofibrillar, 9, with early respiratory failure (MFM9). Also called: Myopathy, distal, with early respiratory failure, autosomal dominant; Hereditary myopathy with early respiratory failure; MYOPATHY, PROXIMAL, WITH EARLY RESPIRATORY MUSCLE INVOLVEMENT; EDSTROM MYOPATHY. Identifiers: Orphanet 178464, Orphanet 34521, MedGen C1863599, MONDO:0011362, OMIM 603689.
Tibial muscular dystrophy (TMD). Also called: Udd Distal Myopathy – Tibial Muscular Dystrophy; Tibial muscular dystrophy, tardive; UDD MYOPATHY. Identifiers: Orphanet 609, MedGen C1838244, MONDO:0010870, OMIM 600334.

Allele frequency attached by ClinVar (database versions not stated): gnomAD exomes 0.28681 and 0.23136; 1000 Genomes Project 30x 0.12523; 1000 Genomes Project 0.12600; ExAC 0.23473; TOPMed 0.18426; gnomAD 0.21346 and 0.21486; ESP Exome Variant Server 0.22636.
gnomAD v4.1: 446,673 of 1,602,616 alleles (28%); highest among the groups gnomAD compares: Non-Finnish European, 31%; 68,020 homozygotes.

Submissions (25):

Labcorp Genetics (formerly Invitae), Labcorp
Classification: Benign for Dilated cardiomyopathy 1G; Autosomal recessive limb-girdle muscular dystrophy type 2J. Last evaluated: 2026-02-04. Review status: criteria provided, single submitter. Criteria: Invitae Variant Classification Sherloc (09022015). Collection method: clinical testing. Allele origin: germline.

Molecular Diagnostic Laboratory for Inherited Cardiovascular Disease, Montreal Heart Institute
Classification: Benign. Last evaluated: 2025-04-09. Review status: criteria provided, single submitter. Criteria: ACMG Guidelines, 2015. Collection method: clinical testing. Allele origin: germline. Affected: no.
Comment: BA1

Blueprint Genetics
Classification: Benign. Last evaluated: 2024-11-26. Review status: criteria provided, single submitter. Criteria: ACMG Guidelines, 2015. Collection method: clinical testing. Allele origin: germline.

Genome-Nilou Lab
Classification: Benign for Autosomal recessive limb-girdle muscular dystrophy type 2J. Last evaluated: 2021-09-10. Review status: criteria provided, single submitter. Criteria: ACMG Guidelines, 2015. Collection method: clinical testing. Allele origin: germline. Affected: no.

Genome-Nilou Lab
Classification: Benign for Myopathy, myofibrillar, 9, with early respiratory failure. Last evaluated: 2021-09-10. Review status: criteria provided, single submitter. Criteria: ACMG Guidelines, 2015. Collection method: clinical testing. Allele origin: germline. Affected: no.

Genome-Nilou Lab
Classification: Benign for Early-onset myopathy with fatal cardiomyopathy. Last evaluated: 2021-09-10. Review status: criteria provided, single submitter. Criteria: ACMG Guidelines, 2015. Collection method: clinical testing. Allele origin: germline. Affected: no.

Genome-Nilou Lab
Classification: Benign for Tibial muscular dystrophy. Last evaluated: 2021-09-10. Review status: criteria provided, single submitter. Criteria: ACMG Guidelines, 2015. Collection method: clinical testing. Allele origin: germline. Affected: no.

Women's Health and Genetics/Laboratory Corporation of America, LabCorp
Classification: Likely benign. Last evaluated: 2020-08-16. Review status: criteria provided, single submitter. Criteria: LabCorp Variant Classification Summary - May 2015. Collection method: clinical testing. Allele origin: germline.

Athena Diagnostics
Classification: Benign. Last evaluated: 2018-11-02. Review status: criteria provided, single submitter. Criteria: Athena Diagnostics Criteria. Collection method: clinical testing. Allele origin: germline.

Illumina Laboratory Services, Illumina
Classification: Benign for Dilated cardiomyopathy 1G. Last evaluated: 2018-01-12. Review status: criteria provided, single submitter. Criteria: ICSL Variant Classification Criteria 13 December 2019. Collection method: clinical testing. Allele origin: germline.
Comment: This variant was observed in the ICSL laboratory as part of a predisposition screen in an ostensibly healthy population. It had not been previously curated by ICSL or reported in the Human Gene Mutation Database (HGMD: prior to June 1st, 2018), and was therefore a candidate for classification through an automated scoring system. Utilizing variant allele frequency, disease prevalence and penetrance estimates, and inheritance mode, an automated score was calculated to assess if this variant is too frequent to cause the disease. Based on the score and internal cut-off values, a variant classified as benign is not then subjected to further curation. The score for this variant resulted in a classification of benign for this disease.

Illumina Laboratory Services, Illumina
Classification: Benign for Autosomal recessive limb-girdle muscular dystrophy type 2J. Last evaluated: 2018-01-12. Review status: criteria provided, single submitter. Criteria: ICSL Variant Classification Criteria 13 December 2019. Collection method: clinical testing. Allele origin: germline.
Comment: the same text as in the submission from Illumina Laboratory Services, Illumina above.

Illumina Laboratory Services, Illumina
Classification: Benign for Early-onset myopathy with fatal cardiomyopathy. Last evaluated: 2018-01-12. Review status: criteria provided, single submitter. Criteria: ICSL Variant Classification Criteria 13 December 2019. Collection method: clinical testing. Allele origin: germline.
Comment: the same text as in the submission from Illumina Laboratory Services, Illumina above.

Illumina Laboratory Services, Illumina
Classification: Benign for Tibial muscular dystrophy. Last evaluated: 2018-01-12. Review status: criteria provided, single submitter. Criteria: ICSL Variant Classification Criteria 13 December 2019. Collection method: clinical testing. Allele origin: germline.
Comment: the same text as in the submission from Illumina Laboratory Services, Illumina above.

Illumina Laboratory Services, Illumina
Classification: Benign for Myopathy, myofibrillar, 9, with early respiratory failure. Last evaluated: 2018-01-12. Review status: criteria provided, single submitter. Criteria: ICSL Variant Classification Criteria 13 December 2019. Collection method: clinical testing. Allele origin: germline.
Comment: the same text as in the submission from Illumina Laboratory Services, Illumina above.

Mayo Clinic Laboratories, Mayo Clinic
Classification: Benign. Last evaluated: 2017-07-24. Review status: criteria provided, single submitter. Criteria: ACMG Guidelines, 2015. Collection method: clinical testing. Allele origin: germline. Observed: 1,038 variant alleles.

Genetic Services Laboratory, University of Chicago
Classification: Benign for AllHighlyPenetrant. Last evaluated: 2013-08-15. Review status: criteria provided, single submitter. Criteria: ACMG Guidelines, 2007. Collection method: clinical testing. Allele origin: germline.

Biesecker Lab/Clinical Genomics Section, National Institutes of Health
Classification: Benign. Last evaluated: 2013-06-24. Review status: criteria provided, single submitter. Criteria: Ng et al. (Circ Cardiovasc Genet. 2013). Collection method: research. Allele origin: unknown. Observed: 208 variant alleles. Study: ClinSeq.
Comment: The study set was not selected for affection status in relation to any cancer. Pathogenicity categories were based on literature curation. See Pubmed ID:23861362 for details.

Medical sequencing

Ambry Genetics
Classification: Benign for Cardiovascular phenotype. Last evaluated: 2013-01-15. Review status: criteria provided, single submitter. Criteria: Ambry Autosomal Dominant and X-Linked criteria (10/2015). Collection method: clinical testing. Allele origin: germline. Observed: 1 variant allele.

GeneDx
Classification: Benign. Last evaluated: 2012-10-23. Review status: criteria provided, single submitter. Criteria: GeneDx Variant Classification (06012015). Collection method: clinical testing. Allele origin: germline. Affected: yes.
Comment: This variant is considered likely benign or benign based on one or more of the following criteria: it is a conservative change, it occurs at a poorly conserved position in the protein, it is predicted to be benign by multiple in silico algorithms, and/or has population frequency not consistent with disease.

Laboratory for Molecular Medicine, Mass General Brigham Personalized Medicine
Classification: Benign. Last evaluated: 2011-09-16. Review status: criteria provided, single submitter. Criteria: LMM Criteria. Collection method: clinical testing. Allele origin: germline. Observed: 791 variant alleles.

Breakthrough Genomics
Classification: Likely benign. Review status: criteria provided, single submitter. Criteria: ACMG Guidelines, 2015. Collection method: not provided. Allele origin: germline. Inheritance: Autosomal recessive inheritance. Affected: yes.

PreventionGenetics, part of Exact Sciences
Classification: Benign. Review status: criteria provided, single submitter. Criteria: ACMG Guidelines, 2015. Collection method: clinical testing. Allele origin: germline.

Clinical Genetics DNA and cytogenetics Diagnostics Lab, Erasmus MC, Erasmus Medical Center
Classification: Benign. Review status: no assertion criteria provided. Collection method: clinical testing. Allele origin: germline. Affected: yes. Study: VKGL Data-share Consensus. Not counted in ClinVar's aggregate classification.

Clinical Genetics, Academic Medical Center
Classification: Benign. Review status: no assertion criteria provided. Collection method: clinical testing. Allele origin: germline. Affected: yes. Study: VKGL Data-share Consensus. Not counted in ClinVar's aggregate classification.

Diagnostic Laboratory, Department of Genetics, University Medical Center Groningen
Classification: Benign. Review status: no assertion criteria provided. Collection method: clinical testing. Allele origin: germline. Affected: yes. Study: VKGL Data-share Consensus. Not counted in ClinVar's aggregate classification.

NM_001267550.2(TTN):c.33287G>A (p.Arg11096His)

Gene: TTN (titin; minus strand). Cytogenetic location: 2q31.2.
Variant type: single nucleotide variant.
Coding change: c.33287G>A on transcript NM_001267550.2 (MANE Select); coding-DNA position 33287, G replaced by A.
Protein change: p.Arg11096His; replaces arginine 11096 with histidine.
Molecular consequence: missense variant. On other transcripts: intron variant (3).
Genome position (GRCh38, 1-based): chr2:178,681,132, C>T on the plus strand (G>A on the coding strand, the complement: TTN is on the minus strand). VCF-style: chr2-178681132-C-T. GRCh37 (hg19) VCF-style: chr2-179545859-C-T.
Other names: p.R10779H:CGT>CAT; c.32336G>A, p.Arg10779His (NM_001256850.1); c.29555G>A, p.Arg9852His (NM_133378.4); c.13283-38815G>A (NM_003319.4); c.13859-38815G>A (NM_133437.4); c.13658-38815G>A (NM_133432.3); short protein forms R11096H, R10779H, R9852H.
Identifiers: ClinVar variation 46886 (VCV000046886.39), dbSNP rs36051007, ClinGen allele CA283147.
Genomic context (GRCh38, chr2:178,681,132, plus strand): 5'-ATTATACCTTTAGCAGCGGGTTCAGTCACCTGCTCTTTTTCACGTTTGGTAATTGAAATA[C>T]GTATTTTTTCCTCAAAAACTTTCTTTGGTTCTTCAGGCACTTTAAAGATATTAATTATTA-3'
Protein context (NP_001254479.2, residues 11086-11106): EPKKVFEEKI[Arg11096His]ISITKREKEQ